The following is an entry in ClinVar:

NM_015874.6(RBPJ):c.194G>A (p.Ser65Asn)

Gene: RBPJ (recombination signal binding protein for immunoglobulin kappa J region; plus strand). Cytogenetic location: 4p15.2.
Variant type: single nucleotide variant.
Coding change: c.194G>A on transcript NM_015874.6 (MANE Select); coding-DNA position 194, G replaced by A.
Protein change: p.Ser65Asn; replaces serine 65 with asparagine.
Molecular consequence: missense variant.
Genome position (GRCh38, 1-based): chr4:26,415,513, G>A. VCF-style: chr4-26415513-G-A. GRCh37 (hg19) VCF-style: chr4-26417135-G-A.
Other names: c.128G>A, p.Ser43Asn (NM_203283.5, NM_001363577.2); c.191G>A, p.Ser64Asn (NM_203284.3, NM_001374401.1, NM_001374402.1 and 3 more transcripts); c.233G>A, p.Ser78Asn (NM_001374400.1, NM_001379408.1, NM_005349.4); c.188G>A, p.Ser63Asn (NM_001379409.1); short protein forms S43N, S63N, S64N, S65N, S78N.
Identifiers: ClinVar variation 4880942 (VCV004880942.2).
Genomic context (GRCh38, chr4:26,415,513, plus strand): 5'-TTTTTCCCCTATTATTCTTCAGGTTTTTTTGCCCACCTCCTTGTGTATATCTTATGGGCA[G>A]TGGATGGAAGAAAAAAAAAGAACAAATGGAACGCGATGGTTGTTCTGAACAAGAGTCTCA-3'
Protein context (NP_056958.3, residues 55-75): CPPPCVYLMG[Ser65Asn]GWKKKKEQME

ClinVar aggregate classification (germline): Uncertain significance (1 of 4 stars; one submission).

Submission:

Dasa
Classification: Uncertain significance. Last evaluated: 2026-04-09. Review status: criteria provided, single submitter. Criteria: DASA Assertion Criteria. Collection method: clinical testing. Allele origin: germline.
Comment: NM_015874.6(RBPJ):c.194G>A (p.Ser65Asn) is a missense variant that results in the substitution of serine with asparagine. This variant is rare in population databases. The currently available literature and clinical evidence are not sufficient to establish a definitive association between this variant and the reported condition. Therefore, this variant is classified as a variant of uncertain significance.